The following is an entry in ClinVar:

ClinVar aggregate classification (germline): Conflicting classifications of pathogenicity. Review status: criteria provided, conflicting classifications (1 of 4 stars). 3 submissions from 3 submitters: Uncertain significance (2); Likely benign (1). Last evaluated 2025-12-03.

Conditions:
Primary ciliary dyskinesia. Also called: Ciliary dyskinesia. Identifiers: Orphanet 244, MedGen C0008780, MONDO:0016575, HP:0012265.

Allele frequency attached by ClinVar (database versions not stated): TOPMed 0.00001.
gnomAD v4.1: 14 of 1,614,006 alleles (0.00087%); highest among the groups gnomAD compares: Admixed American, 0.022%; no homozygotes.

Submissions (3):

Labcorp Genetics (formerly Invitae), Labcorp
Classification: Likely benign for Primary ciliary dyskinesia. Last evaluated: 2025-12-03. Review status: criteria provided, single submitter. Criteria: Invitae Variant Classification Sherloc (09022015). Collection method: clinical testing. Allele origin: germline.

Ambry Genetics
Classification: Uncertain significance for Primary ciliary dyskinesia. Last evaluated: 2025-09-26. Review status: criteria provided, single submitter. Criteria: Ambry Variant Classification Scheme 2023. Collection method: clinical testing. Allele origin: germline.

GeneDx
Classification: Uncertain significance. Last evaluated: 2023-05-11. Review status: criteria provided, single submitter. Criteria: GeneDx Variant Classification Process June 2021. Collection method: clinical testing. Allele origin: germline. Affected: yes.
Comment: In silico analysis supports that this missense variant has a deleterious effect on protein structure/function; Has not been previously published as pathogenic or benign to our knowledge

NM_001277115.2(DNAH11):c.5843A>C (p.Asn1948Thr)

Gene: DNAH11 (dynein axonemal heavy chain 11; plus strand). Cytogenetic location: 7p15.3.
Variant type: single nucleotide variant.
Coding change: c.5843A>C on transcript NM_001277115.2 (MANE Select); coding-DNA position 5843, A replaced by C.
Protein change: p.Asn1948Thr; replaces asparagine 1948 with threonine.
Molecular consequence: missense variant.
Genome position (GRCh38, 1-based): chr7:21,687,446, A>C. VCF-style: chr7-21687446-A-C. GRCh37 (hg19) VCF-style: chr7-21727064-A-C.
Other names: c.5843A>C (NM_001277115.1); short protein forms N1948T.
Identifiers: ClinVar variation 1016394 (VCV001016394.10), dbSNP rs754385182, ClinGen allele CA4180575.